The following is an entry in ClinVar:

ClinVar aggregate classification (germline): Likely benign. Review status: criteria provided, multiple submitters, no conflicts (2 of 4 stars). 2 submissions from 2 submitters: Likely benign (2). Last evaluated 2022-06-19.

Conditions:
Hypertrophic cardiomyopathy. Also called: HYPERTROPHIC MYOCARDIOPATHY. Identifiers: Orphanet 217569, MedGen C0007194, MeSH D002312, MONDO:0005045, HP:0001639.

Allele frequency attached by ClinVar (database versions not stated): gnomAD exomes below 0.00001; gnomAD 0.00001.
gnomAD v4.1: 4 of 1,614,072 alleles (0.00025%); highest among the groups gnomAD compares: Non-Finnish European, 0.00025%; no homozygotes.

Submissions (2):

Labcorp Genetics (formerly Invitae), Labcorp
Classification: Likely benign for Hypertrophic cardiomyopathy. Last evaluated: 2022-06-19. Review status: criteria provided, single submitter. Criteria: Invitae Variant Classification Sherloc (09022015). Collection method: clinical testing. Allele origin: germline.

GeneDx
Classification: Likely benign. Last evaluated: 2017-06-19. Review status: criteria provided, single submitter. Criteria: GeneDx Variant Classification (06012015). Collection method: clinical testing. Allele origin: germline. Affected: yes.
Comment: This variant is considered likely benign or benign based on one or more of the following criteria: it is a conservative change, it occurs at a poorly conserved position in the protein, it is predicted to be benign by multiple in silico algorithms, and/or has population frequency not consistent with disease.

NM_000257.4(MYH7):c.1386C>T (p.Ile462=)

Gene: MYH7 (myosin heavy chain 7; minus strand). Cytogenetic location: 14q11.2.
Variant type: single nucleotide variant.
Coding change: c.1386C>T on transcript NM_000257.4 (MANE Select); coding-DNA position 1386, C replaced by T.
Protein change: p.Ile462=; no amino-acid change (isoleucine 462 retained).
Molecular consequence: synonymous variant.
Genome position (GRCh38, 1-based): chr14:23,428,976, G>A on the plus strand (C>T on the coding strand, the complement: MYH7 is on the minus strand). VCF-style: chr14-23428976-G-A. GRCh37 (hg19) VCF-style: chr14-23898185-G-A.
Other names: c.1386C>T (LRG_384t1).
Identifiers: ClinVar variation 518049 (VCV000518049.7), dbSNP rs1432051238, ClinGen allele CA485624962.